The following is an entry in ClinVar:

NM_000520.6(HEXA):c.13A>G (p.Arg5Gly)

Gene: HEXA (hexosaminidase subunit alpha; minus strand). Cytogenetic location: 15q23.
Variant type: single nucleotide variant.
Coding change: c.13A>G on transcript NM_000520.6 (MANE Select); coding-DNA position 13, A replaced by G.
Protein change: p.Arg5Gly; replaces arginine 5 with glycine.
Molecular consequence: missense variant. On other transcripts: non-coding transcript variant (1).
Genome position (GRCh38, 1-based): chr15:72,375,960, T>C on the plus strand (A>G on the coding strand, the complement: HEXA is on the minus strand). VCF-style: chr15-72375960-T-C. GRCh37 (hg19) VCF-style: chr15-72668301-T-C.
Other names: c.13A>G (NM_000520.4); c.13A>G, p.Arg5Gly (NM_001318825.2); short protein forms R5G.
Identifiers: ClinVar variation 1957551 (VCV001957551.7), dbSNP rs1595816387, ClinGen allele CA393070869.

ClinVar aggregate classification (germline): Uncertain significance. Review status: criteria provided, multiple submitters, no conflicts (2 of 4 stars). 2 submissions from 2 submitters: Uncertain significance (2). Last evaluated 2025-06-16.

Conditions:
Inborn genetic diseases. Identifiers: MedGen C0950123, MeSH D030342.
Tay-Sachs disease (TSD). Also called: HEXA Disorders; HEXA DEFICIENCY; GM2 gangliosidosis, type 1; Hexosaminidase alpha-subunit deficiency (variant B); Sphingolipidosis, Tay-Sachs; Hexosaminidase A Deficiency. Identifiers: Orphanet 845, MedGen C0039373, MONDO:0010100, OMIM 272800.

Submissions (2):

Labcorp Genetics (formerly Invitae), Labcorp
Classification: Uncertain significance for Tay-Sachs disease. Last evaluated: 2025-06-16. Review status: criteria provided, single submitter. Criteria: Invitae Variant Classification Sherloc (09022015). Collection method: clinical testing. Allele origin: germline.
Comment: This sequence change replaces arginine, which is basic and polar, with glycine, which is neutral and non-polar, at codon 5 of the HEXA protein (p.Arg5Gly). This variant is not present in population databases (gnomAD no frequency). This variant has not been reported in the literature in individuals affected with HEXA-related conditions. ClinVar contains an entry for this variant (Variation ID: 1957551). Invitae Evidence Modeling of protein sequence and biophysical properties (such as structural, functional, and spatial information, amino acid conservation, physicochemical variation, residue mobility, and thermodynamic stability) indicates that this missense variant is not expected to disrupt HEXA protein function with a negative predictive value of 95%. In summary, the available evidence is currently insufficient to determine the role of this variant in disease. Therefore, it has been classified as a Variant of Uncertain Significance.

Ambry Genetics
Classification: Uncertain significance for Inborn genetic diseases. Last evaluated: 2023-05-17. Review status: criteria provided, single submitter. Criteria: Ambry Variant Classification Scheme 2023. Collection method: clinical testing. Allele origin: germline.